The following is an entry in ClinVar:

ClinVar aggregate classification (germline): Uncertain significance (1 of 4 stars; one submission).

Conditions:
Familial acute necrotizing encephalopathy (IIAE3). Also called: ENCEPHALOPATHY, ACUTE, INFECTION-INDUCED, SUSCEPTIBILITY TO, 3; Susceptibility to Acute Necrotizing Encephalopathy 1. Identifiers: Orphanet 88619, MedGen C2675556, MONDO:0011953, OMIM 608033.

Submission:

Labcorp Genetics (formerly Invitae), Labcorp
Classification: Uncertain significance for Familial acute necrotizing encephalopathy. Last evaluated: 2022-03-19. Review status: criteria provided, single submitter. Criteria: Invitae Variant Classification Sherloc (09022015). Collection method: clinical testing. Allele origin: germline.
Comment: In summary, the available evidence is currently insufficient to determine the role of this variant in disease. Therefore, it has been classified as a Variant of Uncertain Significance. This variant has not been reported in the literature in individuals affected with RANBP2-related conditions. This variant results in a copy number gain of the genomic region encompassing exon(s) 2-29 of the RANBP2 gene. This region includes the termination codon of the gene. This copy number gain extends beyond the assayed region for this gene and therefore may encompass additional genes. As the precise location of this event is unknown, it may be in tandem or it may be located elsewhere in the genome.

NC_000002.12:g.(?_108729112)_(108963283_?)dup

Genes: CCDC138 (coiled-coil domain containing 138; plus strand), EDAR (ectodysplasin A receptor; minus strand), RANBP2 (RAN binding protein 2; plus strand). Cytogenetic location: 2q12.3.
Variant type: Duplication.
Identifiers: ClinVar variation 831710 (VCV000831710.4).